The following is an entry in ClinVar:

NM_001136035.4(TRMT1):c.1376C>T (p.Thr459Ile)

Gene: TRMT1 (tRNA methyltransferase 1; minus strand). Cytogenetic location: 19p13.13.
Variant type: single nucleotide variant.
Coding change: c.1376C>T on transcript NM_001136035.4 (MANE Select); coding-DNA position 1376, C replaced by T.
Protein change: p.Thr459Ile; replaces threonine 459 with isoleucine.
Molecular consequence: missense variant.
Genome position (GRCh38, 1-based): chr19:13,109,402, G>A on the plus strand (C>T on the coding strand, the complement: TRMT1 is on the minus strand). VCF-style: chr19-13109402-G-A. GRCh37 (hg19) VCF-style: chr19-13220216-G-A.
Other names: c.1289C>T, p.Thr430Ile (NM_001142554.3, NM_001351760.2); c.1268C>T, p.Thr423Ile (NM_001351761.2); c.593C>T, p.Thr198Ile (NM_001351762.2); c.1376C>T, p.Thr459Ile (NM_017722.5); short protein forms T198I, T423I, T430I, T459I.
Identifiers: ClinVar variation 3253197 (VCV003253197.1), dbSNP rs2513084432.

ClinVar aggregate classification (germline): Uncertain significance (1 of 4 stars; one submission).

Allele frequency attached by ClinVar (database versions not stated): gnomAD exomes below 0.00001.
gnomAD v4.1: 1 of 1,613,056 alleles (0.000062%); highest among the groups gnomAD compares: African/African-American, 0.0013%; no homozygotes.

Submission:

GeneDx
Classification: Uncertain significance. Last evaluated: 2023-08-14. Review status: criteria provided, single submitter. Criteria: GeneDx Variant Classification Process June 2021. Collection method: clinical testing. Allele origin: germline. Affected: yes.
Comment: Not observed at significant frequency in large population cohorts (gnomAD); In silico analysis supports that this missense variant has a deleterious effect on protein structure/function; Has not been previously published as pathogenic or benign to our knowledge